The following is an entry in ClinVar:

NM_032638.5(GATA2):c.109G>A (p.Ala37Thr)

Gene: GATA2 (GATA binding protein 2; minus strand). Cytogenetic location: 3q21.3.
Variant type: single nucleotide variant.
Coding change: c.109G>A on transcript NM_032638.5 (MANE Select); coding-DNA position 109, G replaced by A.
Protein change: p.Ala37Thr; replaces alanine 37 with threonine.
Molecular consequence: missense variant.
Genome position (GRCh38, 1-based): chr3:128,486,923, C>T on the plus strand (G>A on the coding strand, the complement: GATA2 is on the minus strand). VCF-style: chr3-128486923-C-T. GRCh37 (hg19) VCF-style: chr3-128205766-C-T.
Other names: c.109G>A, p.Ala37Thr (NM_001145661.2, NM_001145662.1); c.109G>A (NM_032638.4); short protein forms A37T.
Identifiers: ClinVar variation 1507555 (VCV001507555.9), dbSNP rs1576749841, ClinGen allele CA354408849.

ClinVar aggregate classification (germline): Uncertain significance. Review status: criteria provided, multiple submitters, no conflicts (2 of 4 stars). 2 submissions from 2 submitters: Uncertain significance (2). Last evaluated 2025-09-19.

Conditions:
Monocytopenia with susceptibility to infections. Also called: MONOCYTOPENIA AND MYCOBACTERIAL INFECTION SYNDROME; MONOCYTOPENIA WITH SUSCEPTIBILITY TO MYCOBACTERIAL, FUNGAL, AND PAPILLOMAVIRUS INFECTIONS AND MYELODYSPLASIA; COMBINED IMMUNODEFICIENCY WITH SUSCEPTIBILITY TO MYCOBACTERIAL, VIRAL, AND FUNGAL INFECTIONS; Dendritic cell, monocyte, B lymphocyte, and natural killer lymphocyte deficiency; IMMUNODEFICIENCY 21; GATA2 DEFICIENCY. Identifiers: Orphanet 228423, MedGen C3280030, MONDO:0013607, OMIM 614172.
Deafness-lymphedema-leukemia syndrome. Also called: Lymphedema, primary, with myelodysplasia; Emberger syndrome. Identifiers: Orphanet 3226, MedGen C3279664, MONDO:0013540, OMIM 614038.
Inborn genetic diseases. Identifiers: MedGen C0950123, MeSH D030342.

gnomAD v4.1: 4 of 1,612,968 alleles (0.00025%); highest among the groups gnomAD compares: Admixed American, 0.0017%; no homozygotes.

Submissions (2):

Ambry Genetics
Classification: Uncertain significance for Inborn genetic diseases. Last evaluated: 2025-09-19. Review status: criteria provided, single submitter. Criteria: Ambry Variant Classification Scheme 2023. Collection method: clinical testing. Allele origin: germline.
Comment: The p.A37T variant (also known as c.109G>A), located in coding exon 1 of the GATA2 gene, results from a G to A substitution at nucleotide position 109. The alanine at codon 37 is replaced by threonine, an amino acid with similar properties. This amino acid position is conserved. In addition, the in silico prediction for this alteration is inconclusive. Based on the available evidence, the clinical significance of this variant remains unclear.

Labcorp Genetics (formerly Invitae), Labcorp
Classification: Uncertain significance for Monocytopenia with susceptibility to infections; Deafness-lymphedema-leukemia syndrome. Last evaluated: 2023-06-05. Review status: criteria provided, single submitter. Criteria: Invitae Variant Classification Sherloc (09022015). Collection method: clinical testing. Allele origin: germline.
Comment: In summary, the available evidence is currently insufficient to determine the role of this variant in disease. Therefore, it has been classified as a Variant of Uncertain Significance. Advanced modeling of protein sequence and biophysical properties (such as structural, functional, and spatial information, amino acid conservation, physicochemical variation, residue mobility, and thermodynamic stability) performed at Invitae indicates that this missense variant is not expected to disrupt GATA2 protein function. ClinVar contains an entry for this variant (Variation ID: 1507555). This variant has not been reported in the literature in individuals affected with GATA2-related conditions. This variant is not present in population databases (gnomAD no frequency). This sequence change replaces alanine, which is neutral and non-polar, with threonine, which is neutral and polar, at codon 37 of the GATA2 protein (p.Ala37Thr).